The following is an entry in ClinVar:

ClinVar aggregate classification (germline): Uncertain significance. Review status: criteria provided, multiple submitters, no conflicts (2 of 4 stars). 5 submissions from 5 submitters: Uncertain significance (5). Last evaluated 2025-11-25.

Conditions:
Hereditary cancer-predisposing syndrome. Also called: Neoplastic Syndromes, Hereditary; Hereditary Cancer Syndrome; Hereditary neoplastic syndrome; Tumor predisposition. Identifiers: Orphanet 140162, MedGen C0027672, MeSH D009386, MONDO:0015356.
Peutz-Jeghers syndrome (PJS). Also called: Peutz-Jeghers polyposis; Periorificial lentiginosis syndrome; POLYPOSIS, HAMARTOMATOUS INTESTINAL; POLYPS-AND-SPOTS SYNDROME. Identifiers: Orphanet 2869, MedGen C0031269, MeSH D010580, MONDO:0008280, OMIM 175200.

Allele frequency attached by ClinVar (database versions not stated): gnomAD exomes below 0.00001; TOPMed below 0.00001; ExAC 0.00001.
gnomAD v4.1: 3 of 1,610,876 alleles (0.00019%); highest among the groups gnomAD compares: Middle Eastern, 0.017%; no homozygotes.

Submissions (5):

Labcorp Genetics (formerly Invitae), Labcorp
Classification: Uncertain significance for Peutz-Jeghers syndrome. Last evaluated: 2025-11-25. Review status: criteria provided, single submitter. Criteria: Invitae Variant Classification Sherloc (09022015). Collection method: clinical testing. Allele origin: germline.
Comment: This sequence change replaces proline, which is neutral and non-polar, with leucine, which is neutral and non-polar, at codon 387 of the STK11 protein (p.Pro387Leu). The frequency data for this variant in the population databases is considered unreliable, as metrics indicate poor data quality at this position in the gnomAD database. This variant has not been reported in the literature in individuals affected with STK11-related conditions. ClinVar contains an entry for this variant (Variation ID: 142483). Invitae Evidence Modeling of protein sequence and biophysical properties (such as structural, functional, and spatial information, amino acid conservation, physicochemical variation, residue mobility, and thermodynamic stability) indicates that this missense variant is not expected to disrupt STK11 protein function with a negative predictive value of 95%. In summary, the available evidence is currently insufficient to determine the role of this variant in disease. Therefore, it has been classified as a Variant of Uncertain Significance.

Ambry Genetics
Classification: Uncertain significance for Hereditary cancer-predisposing syndrome. Last evaluated: 2025-03-27. Review status: criteria provided, single submitter. Criteria: Ambry Variant Classification Scheme 2023. Collection method: clinical testing. Allele origin: germline.
Comment: The p.P387L variant (also known as c.1160C>T), located in coding exon 9 of the STK11 gene, results from a C to T substitution at nucleotide position 1160. The proline at codon 387 is replaced by leucine, an amino acid with similar properties. This amino acid position is not well conserved in available vertebrate species. In addition, this alteration is predicted to be tolerated by in silico analysis. Since supporting evidence is limited at this time, the clinical significance of this alteration remains unclear.

Color Diagnostics, LLC DBA Color Health
Classification: Uncertain significance for Hereditary cancer-predisposing syndrome. Last evaluated: 2022-05-11. Review status: criteria provided, single submitter. Criteria: ACMG Guidelines, 2015. Collection method: clinical testing. Allele origin: germline.
Comment: This missense variant replaces proline with leucine at codon 387 of the STK11 protein. Computational prediction suggests that this variant may not impact protein structure and function (internally defined REVEL score threshold <= 0.5, PMID: 27666373). To our knowledge, functional studies have not been reported for this variant. This variant has not been reported in individuals affected with hereditary cancer in the literature. This variant has been identified in 1/240418 chromosomes in the general population by the Genome Aggregation Database (gnomAD). The available evidence is insufficient to determine the role of this variant in disease conclusively. Therefore, this variant is classified as a Variant of Uncertain Significance.

Sema4
Classification: Uncertain significance for Hereditary cancer-predisposing syndrome. Last evaluated: 2021-07-20. Review status: criteria provided, single submitter. Criteria: Sema4 Curation Guidelines. Collection method: curation. Allele origin: germline.
Comment: The STK11 c.1160C>T (p.P387L) variant has not been reported in the literature to our knowledge. It was observed in 1/107626 chromosomes of the Non-Finnish European subpopulation in the large and broad cohorts of the Genome Aggregation Database (PMID: 32461654). The variant has been reported in ClinVar (Variation ID 142483). Functional studies have not been performed and in silico predictions of the variant's effect on protein function are inconclusive. The evidence is insufficient to meet ACMG/AMP criteria for classifying the variant as benign or pathogenic. Thus, the clinical significance of this variant is currently uncertain.

Genome-Nilou Lab
Classification: Uncertain significance for Peutz-Jeghers syndrome. Last evaluated: 2021-07-15. Review status: criteria provided, single submitter. Criteria: ACMG Guidelines, 2015. Collection method: clinical testing. Allele origin: germline. Affected: no.

NM_000455.5(STK11):c.1160C>T (p.Pro387Leu)

Gene: STK11 (serine/threonine kinase 11; plus strand). Cytogenetic location: 19p13.3.
Variant type: single nucleotide variant.
Coding change: c.1160C>T on transcript NM_000455.5 (MANE Select); coding-DNA position 1160, C replaced by T.
Protein change: p.Pro387Leu; replaces proline 387 with leucine.
Molecular consequence: missense variant.
Genome position (GRCh38, 1-based): chr19:1,226,505, C>T. VCF-style: chr19-1226505-C-T. GRCh37 (hg19) VCF-style: chr19-1226504-C-T.
Other names: short protein forms P387L.
Identifiers: ClinVar variation 142483 (VCV000142483.22), dbSNP rs587782493, ClinGen allele CA022378.